The following is an entry in ClinVar:

ClinVar aggregate classification (germline): Uncertain significance (1 of 4 stars; one submission).

Allele frequency attached by ClinVar (database versions not stated): gnomAD exomes below 0.00001.

Submission:

Labcorp Genetics (formerly Invitae), Labcorp
Classification: Uncertain significance. Last evaluated: 2022-07-15. Review status: criteria provided, single submitter. Criteria: Invitae Variant Classification Sherloc (09022015). Collection method: clinical testing. Allele origin: germline.
Comment: This variant is not present in population databases (gnomAD no frequency). This sequence change replaces aspartic acid, which is acidic and polar, with glycine, which is neutral and non-polar, at codon 67 of the HPGD protein (p.Asp67Gly). This variant has not been reported in the literature in individuals affected with HPGD-related conditions. Algorithms developed to predict the effect of missense changes on protein structure and function (SIFT, PolyPhen-2, Align-GVGD) all suggest that this variant is likely to be tolerated. In summary, the available evidence is currently insufficient to determine the role of this variant in disease. Therefore, it has been classified as a Variant of Uncertain Significance.

NM_000860.6(HPGD):c.200A>G (p.Asp67Gly)

Gene: HPGD (15-hydroxyprostaglandin dehydrogenase; minus strand). Cytogenetic location: 4q34.1.
Variant type: single nucleotide variant.
Coding change: c.200A>G on transcript NM_000860.6 (MANE Select); coding-DNA position 200, A replaced by G.
Protein change: p.Asp67Gly; replaces aspartic acid 67 with glycine.
Molecular consequence: missense variant. On other transcripts: 5 prime UTR variant (2).
Genome position (GRCh38, 1-based): chr4:174,521,961, T>C on the plus strand (A>G on the coding strand, the complement: HPGD is on the minus strand). VCF-style: chr4-174521961-T-C. GRCh37 (hg19) VCF-style: chr4-175443112-T-C.
Other names: c.200A>G, p.Asp67Gly (NM_001145816.3, NM_001256305.2, NM_001256306.2 and 1 more transcripts); c.-164A>G (NM_001256301.1); c.-57A>G (NM_001256307.2); short protein forms D67G.
Identifiers: ClinVar variation 1998619 (VCV001998619.4), dbSNP rs2477960729, ClinGen allele CA358813209.
Genomic context (GRCh38, chr4:174,521,961, plus strand): 5'-TGAGAGCACGTTCCCAGTTGACAGATTGATTCCCCTGTCTTACCTCTCAGTTGTTGCTGG[T>C]CAGCCACATCGCACTGGATGAACAGAGTCTTCTGAGGTTCAAACTGCTCATCCAGGGCAG-3'
Protein context (NP_000851.2, residues 57-77): KTLFIQCDVA[Asp67Gly]QQQLRDTFRK